The following is an entry in ClinVar:

NM_005560.6(LAMA5):c.2058C>T (p.His686=)

Gene: LAMA5 (laminin subunit alpha 5; minus strand). Cytogenetic location: 20q13.33.
Variant type: single nucleotide variant.
Coding change: c.2058C>T on transcript NM_005560.6 (MANE Select); coding-DNA position 2058, C replaced by T.
Protein change: p.His686=; no amino-acid change (histidine 686 retained).
Molecular consequence: synonymous variant.
Genome position (GRCh38, 1-based): chr20:62,337,696, G>A on the plus strand (C>T on the coding strand, the complement: LAMA5 is on the minus strand). VCF-style: chr20-62337696-G-A. GRCh37 (hg19) VCF-style: chr20-60912752-G-A.
Other names: c.2058C>T (NM_005560.4).
Identifiers: ClinVar variation 2902255 (VCV002902255.7), dbSNP rs779668173, ClinGen allele CA9943650.

ClinVar aggregate classification (germline): Likely benign. Review status: criteria provided, multiple submitters, no conflicts (2 of 4 stars). 3 submissions from 3 submitters: Likely benign (2). 1 of the submissions does not count toward it. Last evaluated 2026-04-01.

Conditions:
LAMA5-related disorder. Also called: LAMA5-Related Disorders; LAMA5-related condition.

Allele frequency attached by ClinVar (database versions not stated): gnomAD 0.00009; ExAC 0.00011; TOPMed 0.00012; gnomAD exomes 0.00013.
gnomAD v4.1: 204 of 1,611,372 alleles (0.013%); highest among the groups gnomAD compares: Non-Finnish European, 0.016%; no homozygotes.

Submissions (3):

CeGaT Center for Human Genetics Tuebingen
Classification: Likely benign. Last evaluated: 2026-04-01. Review status: criteria provided, single submitter. Criteria: CeGaT Center For Human Genetics Tuebingen Variant Classification Criteria Version 2. Collection method: clinical testing. Allele origin: germline. Affected: yes. Observed: 1 variant allele.
Comment: LAMA5: BP4, BP7

Labcorp Genetics (formerly Invitae), Labcorp
Classification: Likely benign. Last evaluated: 2025-06-06. Review status: criteria provided, single submitter. Criteria: Invitae Variant Classification Sherloc (09022015). Collection method: clinical testing. Allele origin: germline.

PreventionGenetics, part of Exact Sciences
Classification: Likely benign for LAMA5-related condition. Last evaluated: 2020-11-20. Review status: no assertion criteria provided. Collection method: clinical testing. Allele origin: germline. Not counted in ClinVar's aggregate classification.
Comment: This variant is classified as likely benign based on ACMG/AMP sequence variant interpretation guidelines (Richards et al. 2015 PMID: 25741868, with internal and published modifications).